The following is an entry in ClinVar:

ClinVar aggregate classification (germline): Uncertain significance (1 of 4 stars; one submission).

Conditions:
Koolen-de Vries syndrome (KDVS). Identifiers: Orphanet 96169, MedGen C1864871, MONDO:0012496, OMIM 610443.

gnomAD v4.1: 1 of 1,612,480 alleles (0.000062%); highest among the groups gnomAD compares: East Asian, 0.0022%; no homozygotes.

Submission:

Labcorp Genetics (formerly Invitae), Labcorp
Classification: Uncertain significance for Koolen-de Vries syndrome. Last evaluated: 2025-03-20. Review status: criteria provided, single submitter. Criteria: Invitae Variant Classification Sherloc (09022015). Collection method: clinical testing. Allele origin: germline.
Comment: This sequence change replaces threonine, which is neutral and polar, with lysine, which is basic and polar, at codon 491 of the KANSL1 protein (p.Thr491Lys). This variant is not present in population databases (gnomAD no frequency). This variant has not been reported in the literature in individuals affected with KANSL1-related conditions. An algorithm developed to predict the effect of missense changes on protein structure and function (PolyPhen-2) suggests that this variant is likely to be tolerated. In summary, the available evidence is currently insufficient to determine the role of this variant in disease. Therefore, it has been classified as a Variant of Uncertain Significance.

NM_015443.4(KANSL1):c.1472C>A (p.Thr491Lys)

Gene: KANSL1 (KAT8 regulatory NSL complex subunit 1). Cytogenetic location: 17q21.31.
Variant type: single nucleotide variant.
Coding change: c.1472C>A on transcript NM_015443.4 (MANE Select); coding-DNA position 1472, C replaced by A.
Protein change: p.Thr491Lys; replaces threonine 491 with lysine.
Molecular consequence: missense variant. On other transcripts: intron variant (4).
Genome position (GRCh38, 1-based): chr17:46,082,502, G>T on the plus strand (C>A on the coding strand, the complement: KANSL1 is on the minus strand). VCF-style: chr17-46082502-G-T. GRCh37 (hg19) VCF-style: chr17-44159868-G-T.
Other names: c.1472C>A, p.Thr491Lys (NM_001405856.1, NM_001405857.1, NM_001405858.1 and 14 more transcripts); c.206C>A, p.Thr69Lys (NM_001405882.1, NM_001405883.1, NM_001405884.1 and 1 more transcripts); c.1431+12058C>A (NM_001405881.1, NM_001405861.1, NM_001405859.1 and 1 more transcripts); short protein forms T491K, T69K.
Identifiers: ClinVar variation 4715575 (VCV004715575.1).